The following is an entry in ClinVar:

ClinVar aggregate classification (germline): Likely benign (1 of 4 stars; one submission).

Submission:

CeGaT Center for Human Genetics Tuebingen
Classification: Likely benign. Last evaluated: 2022-10-01. Review status: criteria provided, single submitter. Criteria: CeGaT Center For Human Genetics Tuebingen Variant Classification Criteria Version 2. Collection method: clinical testing. Allele origin: germline. Affected: yes. Observed: 1 variant allele.
Comment: SPG11: PM2:Supporting, BP4, BP7

NM_025137.4(SPG11):c.966C>T (p.Ala322=)

Gene: SPG11 (SPG11 vesicle trafficking associated, spatacsin; minus strand). Cytogenetic location: 15q21.1.
Variant type: single nucleotide variant.
Coding change: c.966C>T on transcript NM_025137.4 (MANE Select); coding-DNA position 966, C replaced by T.
Protein change: p.Ala322=; no amino-acid change (alanine 322 retained).
Molecular consequence: synonymous variant.
Genome position (GRCh38, 1-based): chr15:44,652,170, G>A on the plus strand (C>T on the coding strand, the complement: SPG11 is on the minus strand). VCF-style: chr15-44652170-G-A. GRCh37 (hg19) VCF-style: chr15-44944368-G-A.
Other names: c.966C>T, p.Ala322= (NM_001160227.2, NM_001411132.1).
Identifiers: ClinVar variation 2645284 (VCV002645284.24), dbSNP rs2505731387, ClinGen allele CA490330316.
Genomic context (GRCh38, chr15:44,652,170, plus strand): 5'-GAAAAGGAAGTTTCTGTACCTATCAATTTGGAAGGAAAACTTGGCCAGTTTCATGTTGTA[G>A]GCAGAGTTAACAGGATCATCTTCATCTACGCCCTTAGGTCCTTGAATAGGAAGATCTTCT-3'
Protein context (NP_079413.3, residues 312-332): GVDEDDPVNS[Ala322=]YNMKLAKFSF